The following is an entry in ClinVar:

NM_144670.6(A2ML1):c.4020A>G (p.Gln1340=)

Gene: A2ML1 (alpha-2-macroglobulin like 1; plus strand). Cytogenetic location: 12p13.31.
Variant type: single nucleotide variant.
Coding change: c.4020A>G on transcript NM_144670.6 (MANE Select); coding-DNA position 4020, A replaced by G.
Protein change: p.Gln1340=; no amino-acid change (glutamine 1340 retained).
Molecular consequence: synonymous variant.
Genome position (GRCh38, 1-based): chr12:8,868,316, A>G. VCF-style: chr12-8868316-A-G. GRCh37 (hg19) VCF-style: chr12-9020912-A-G.
Other names: c.2547A>G, p.Gln849= (NM_001282424.3).
Identifiers: ClinVar variation 384671 (VCV000384671.20), dbSNP rs1476910, ClinGen allele CA6436552.
Genomic context (GRCh38, chr12:8,868,316, plus strand): 5'-TCCCACAAATATGAAGACCTTTAGTCTTAGTGTGGAAATAGGAAAAGCTAGATGTGAGCA[A>G]CCGACTTCACCTCGATCCTTGACTCTCACTATTCACACCAGGTGATTAAAGCTGGGGTGC-3'
Protein context (NP_653271.3, residues 1330-1350): SVEIGKARCE[Gln1340=]PTSPRSLTLT

ClinVar aggregate classification (germline): Benign/Likely benign. Review status: criteria provided, multiple submitters, no conflicts (2 of 4 stars). 8 submissions from 8 submitters: Benign (4); Likely benign (1). 3 of the submissions do not count toward it. Last evaluated 2026-02-04.

Allele frequency attached by ClinVar (database versions not stated): 1000 Genomes Project 30x 0.67552; 1000 Genomes Project 0.67772; TOPMed 0.71273; gnomAD 0.71936 and 0.71988; gnomAD exomes 0.73127 and 0.76622; ExAC 0.73521; ESP Exome Variant Server 0.74648.
gnomAD v4.1: 1,228,622 of 1,613,086 alleles (76%); highest among the groups gnomAD compares: Middle Eastern, 83%; 471,413 homozygotes.

Submissions (8):

Labcorp Genetics (formerly Invitae), Labcorp
Classification: Benign. Last evaluated: 2026-02-04. Review status: criteria provided, single submitter. Criteria: Invitae Variant Classification Sherloc (09022015). Collection method: clinical testing. Allele origin: germline.

Blueprint Genetics
Classification: Likely benign. Last evaluated: 2024-11-27. Review status: criteria provided, single submitter. Criteria: ACMG Guidelines, 2015. Collection method: clinical testing. Allele origin: germline.

Women's Health and Genetics/Laboratory Corporation of America, LabCorp
Classification: Benign. Last evaluated: 2019-11-13. Review status: criteria provided, single submitter. Criteria: LabCorp Variant Classification Summary - May 2015. Collection method: clinical testing. Allele origin: germline.

GeneDx
Classification: Benign. Last evaluated: 2016-09-25. Review status: criteria provided, single submitter. Criteria: GeneDx Variant Classification (06012015). Collection method: clinical testing. Allele origin: germline. Affected: yes.
Comment: This variant is considered likely benign or benign based on one or more of the following criteria: it is a conservative change, it occurs at a poorly conserved position in the protein, it is predicted to be benign by multiple in silico algorithms, and/or has population frequency not consistent with disease.

Breakthrough Genomics
Classification: Benign. Review status: criteria provided, single submitter. Criteria: ACMG Guidelines, 2015. Collection method: not provided. Allele origin: germline. Inheritance: Autosomal dominant inheritance. Affected: yes.

Clinical Genetics, Academic Medical Center
Classification: Benign. Review status: no assertion criteria provided. Collection method: clinical testing. Allele origin: germline. Affected: yes. Study: VKGL Data-share Consensus. Not counted in ClinVar's aggregate classification.

Diagnostic Laboratory, Department of Genetics, University Medical Center Groningen
Classification: Benign. Review status: no assertion criteria provided. Collection method: clinical testing. Allele origin: germline. Affected: yes. Study: VKGL Data-share Consensus. Not counted in ClinVar's aggregate classification.

Joint Genome Diagnostic Labs from Nijmegen and Maastricht, Radboudumc and MUMC+
Classification: Benign. Review status: no assertion criteria provided. Collection method: clinical testing. Allele origin: germline. Affected: yes. Study: VKGL Data-share Consensus. Not counted in ClinVar's aggregate classification.